The following is an entry in ClinVar:

NM_014875.3(KIF14):c.2813+2dup

Gene: KIF14 (kinesin family member 14; minus strand). Cytogenetic location: 1q32.1.
Variant type: Duplication.
Coding change: c.2813+2dup on transcript NM_014875.3 (MANE Select); the canonical splice donor site of the intron after coding-DNA position 2813, one base duplicated (T; older notation c.2813+2dupT).
Molecular consequence: splice donor variant.
Genome position (GRCh38, 1-based): chr1:200,592,078, A duplicated on the plus strand (T on the coding strand, the reverse complement: KIF14 is on the minus strand). VCF-style (leftmost placement, unchanged base first): chr1-200592077-T-TA. GRCh37 (hg19) VCF-style: chr1-200561205-T-TA.
Other names: c.1340+2dup (NM_001305792.1).
Identifiers: ClinVar variation 2664235 (VCV002664235.1), dbSNP rs2527564762, ClinGen allele CA2695199956.

ClinVar aggregate classification (germline): Likely pathogenic (1 of 4 stars; one submission).

Conditions:
Microcephaly 20, primary, autosomal recessive. Identifiers: MedGen C4693572, MONDO:0054761, OMIM 617914.

Submission:

Neuberg Centre For Genomic Medicine, NCGM
Classification: Likely pathogenic for Microcephaly 20, primary, autosomal recessive. Review status: criteria provided, single submitter. Criteria: ACMG Guidelines, 2015. Collection method: clinical testing. Allele origin: germline. Inheritance: Autosomal recessive inheritance. Affected: yes.
Comment: The splice region c.2813+2dup variant in KIF14 gene has not been reported previously as a pathogenic variant nor as a benign variant, to our knowledge. The c.2813+2dup variant is novel (not in any individuals) in gnomAD Exomes and 1000 Genomes. This variant has not been reported to the ClinVar database. Loss of function variants have been previously reported to be disease causing. Functional studies are required to prove pathogenicity of the variant. For these reasons, this variant has been classified as Likely Pathogenic.